The following is an entry in ClinVar:

NM_000350.3(ABCA4):c.5872C>G (p.Leu1958Val)

Gene: ABCA4 (ATP binding cassette subfamily A member 4; minus strand). Cytogenetic location: 1p22.1.
Variant type: single nucleotide variant.
Coding change: c.5872C>G on transcript NM_000350.3 (MANE Select); coding-DNA position 5872, C replaced by G.
Protein change: p.Leu1958Val; replaces leucine 1958 with valine.
Molecular consequence: missense variant.
Genome position (GRCh38, 1-based): chr1:94,008,261, G>C on the plus strand (C>G on the coding strand, the complement: ABCA4 is on the minus strand). VCF-style: chr1-94008261-G-C. GRCh37 (hg19) VCF-style: chr1-94473817-G-C.
Other names: c.5650C>G, p.Leu1884Val (NM_001425324.1); short protein forms L1958V, L1884V.
Identifiers: ClinVar variation 2115558 (VCV002115558.3), dbSNP rs916003424, ClinGen allele CA341279887.

ClinVar aggregate classification (germline): Uncertain significance. Review status: criteria provided, multiple submitters, no conflicts (2 of 4 stars). 2 submissions from 2 submitters: Uncertain significance (2). Last evaluated 2022-09-14.

Allele frequency attached by ClinVar (database versions not stated): TOPMed below 0.00001; gnomAD 0.00001.
gnomAD v4.1: 8 of 1,614,020 alleles (0.0005%); highest among the groups gnomAD compares: Non-Finnish European, 0.00068%; no homozygotes.

Submissions (2):

Labcorp Genetics (formerly Invitae), Labcorp
Classification: Uncertain significance. Last evaluated: 2022-09-14. Review status: criteria provided, single submitter. Criteria: Invitae Variant Classification Sherloc (09022015). Collection method: clinical testing. Allele origin: germline.
Comment: In summary, the available evidence is currently insufficient to determine the role of this variant in disease. Therefore, it has been classified as a Variant of Uncertain Significance. Advanced modeling of protein sequence and biophysical properties (such as structural, functional, and spatial information, amino acid conservation, physicochemical variation, residue mobility, and thermodynamic stability) has been performed at Invitae for this missense variant, however the output from this modeling did not meet the statistical confidence thresholds required to predict the impact of this variant on ABCA4 protein function. This variant has not been reported in the literature in individuals affected with ABCA4-related conditions. This variant is present in population databases (no rsID available, gnomAD 0.007%). This sequence change replaces leucine, which is neutral and non-polar, with valine, which is neutral and non-polar, at codon 1958 of the ABCA4 protein (p.Leu1958Val).

Blueprint Genetics
Classification: Uncertain significance. Last evaluated: 2019-10-23. Review status: criteria provided, single submitter. Criteria: ACMG Guidelines, 2015. Collection method: clinical testing. Allele origin: germline.